The following is an entry in ClinVar:

NM_018668.5(VPS33B):c.1363G>A (p.Val455Met)

Gene: VPS33B (VPS33B late endosome and lysosome associated; minus strand). Cytogenetic location: 15q26.1.
Variant type: single nucleotide variant.
Coding change: c.1363G>A on transcript NM_018668.5 (MANE Select); coding-DNA position 1363, G replaced by A.
Protein change: p.Val455Met; replaces valine 455 with methionine.
Molecular consequence: missense variant.
Genome position (GRCh38, 1-based): chr15:91,002,092, C>T on the plus strand (G>A on the coding strand, the complement: VPS33B is on the minus strand). VCF-style: chr15-91002092-C-T. GRCh37 (hg19) VCF-style: chr15-91545322-C-T.
Other names: c.1282G>A, p.Val428Met (NM_001289148.1); c.1090G>A, p.Val364Met (NM_001289149.1); short protein forms V455M, V364M, V428M.
Identifiers: ClinVar variation 2246170 (VCV002246170.4), dbSNP rs772233919, ClinGen allele CA7744672.

ClinVar aggregate classification (germline): Uncertain significance. Review status: criteria provided, multiple submitters, no conflicts (2 of 4 stars). 3 submissions from 3 submitters: Uncertain significance (3). Last evaluated 2024-08-12.

Conditions:
Arthrogryposis, renal dysfunction, and cholestasis 1 (ARCS1). Identifiers: Orphanet 2697, MedGen C1859722, MONDO:0008822, OMIM 208085.
Keratoderma-ichthyosis-deafness syndrome, autosomal recessive (KDIDAR). Identifiers: MedGen C5774200, MONDO:0859278, OMIM 620009.
Cholestasis, progressive familial intrahepatic, 12 (PFIC12). Also called: CHOLESTASIS, ISOLATED LOW-GGT. Identifiers: MedGen C5774311, MONDO:0031040, OMIM 620010.
Inborn genetic diseases. Identifiers: MedGen C0950123, MeSH D030342.

Allele frequency attached by ClinVar (database versions not stated): ExAC 0.00002; gnomAD exomes 0.00003; TOPMed 0.00005; gnomAD 0.00006.
gnomAD v4.1: 51 of 1,614,076 alleles (0.0032%); highest among the groups gnomAD compares: African/African-American, 0.011%; no homozygotes.

Submissions (3):

GeneDx
Classification: Uncertain significance. Last evaluated: 2024-08-12. Review status: criteria provided, single submitter. Criteria: GeneDx Variant Classification Process June 2021. Collection method: clinical testing. Allele origin: germline. Affected: yes.
Comment: Not observed at significant frequency in large population cohorts (gnomAD); In silico analysis indicates that this missense variant does not alter protein structure/function; Has not been previously published as pathogenic or benign to our knowledge

Fulgent Genetics
Classification: Uncertain significance for Arthrogryposis, renal dysfunction, and cholestasis 1; Keratoderma-ichthyosis-deafness syndrome, autosomal recessive; Cholestasis, progressive familial intrahepatic, 12. Last evaluated: 2024-06-13. Review status: criteria provided, single submitter. Criteria: ACMG Guidelines, 2015. Collection method: clinical testing. Allele origin: germline.

Ambry Genetics
Classification: Uncertain significance for Inborn genetic diseases. Last evaluated: 2021-08-17. Review status: criteria provided, single submitter. Criteria: Ambry Variant Classification Scheme 2023. Collection method: clinical testing. Allele origin: germline.